The following is an entry in ClinVar:

ClinVar aggregate classification (germline): Likely benign. Review status: criteria provided, multiple submitters, no conflicts (2 of 4 stars). 2 submissions from 2 submitters: Likely benign (2). Last evaluated 2026-03-01.

Allele frequency attached by ClinVar (database versions not stated): TOPMed 0.00015; ExAC 0.00018; gnomAD 0.00018; gnomAD exomes 0.00018; ESP Exome Variant Server 0.00023.

Submissions (2):

CeGaT Center for Human Genetics Tuebingen
Classification: Likely benign. Last evaluated: 2026-03-01. Review status: criteria provided, single submitter. Criteria: CeGaT Center For Human Genetics Tuebingen Variant Classification Criteria Version 2. Collection method: clinical testing. Allele origin: germline. Affected: yes. Observed: 3 variant alleles.
Comment: RFWD3: BP4, BP7

Labcorp Genetics (formerly Invitae), Labcorp
Classification: Likely benign. Last evaluated: 2025-12-26. Review status: criteria provided, single submitter. Criteria: Invitae Variant Classification Sherloc (09022015). Collection method: clinical testing. Allele origin: germline.

NM_018124.4(RFWD3):c.1962C>T (p.Tyr654=)

Gene: RFWD3 (ring finger and WD repeat domain 3; minus strand). Cytogenetic location: 16q23.1.
Variant type: single nucleotide variant.
Coding change: c.1962C>T on transcript NM_018124.4 (MANE Select); coding-DNA position 1962, C replaced by T.
Protein change: p.Tyr654=; no amino-acid change (tyrosine 654 retained).
Molecular consequence: synonymous variant.
Genome position (GRCh38, 1-based): chr16:74,628,459, G>A on the plus strand (C>T on the coding strand, the complement: RFWD3 is on the minus strand). VCF-style: chr16-74628459-G-A. GRCh37 (hg19) VCF-style: chr16-74662357-G-A.
Other names: c.1962C>T, p.Tyr654= (NM_001370534.1, NM_001370535.1); c.1785C>T, p.Tyr595= (NM_001370536.1); c.1128C>T, p.Tyr376= (NM_001370537.1, NM_001370539.1, NM_001370540.1 and 3 more transcripts).
Identifiers: ClinVar variation 2072040 (VCV002072040.28), dbSNP rs201418176, ClinGen allele CA8169037.